The following is an entry in ClinVar:

NM_018897.3(DNAH7):c.6022G>A (p.Ala2008Thr)

Gene: DNAH7 (dynein axonemal heavy chain 7; minus strand). Cytogenetic location: 2q32.3.
Variant type: single nucleotide variant.
Coding change: c.6022G>A on transcript NM_018897.3 (MANE Select); coding-DNA position 6022, G replaced by A.
Protein change: p.Ala2008Thr; replaces alanine 2008 with threonine.
Molecular consequence: missense variant.
Genome position (GRCh38, 1-based): chr2:195,876,639, C>T on the plus strand (G>A on the coding strand, the complement: DNAH7 is on the minus strand). VCF-style: chr2-195876639-C-T. GRCh37 (hg19) VCF-style: chr2-196741363-C-T.
Other names: short protein forms A2008T.
Identifiers: ClinVar variation 3239576 (VCV003239576.19), dbSNP rs2469869608.

ClinVar aggregate classification (germline): Uncertain significance (1 of 4 stars; one submission).

Submission:

CeGaT Center for Human Genetics Tuebingen
Classification: Uncertain significance. Last evaluated: 2024-05-01. Review status: criteria provided, single submitter. Criteria: CeGaT Center For Human Genetics Tuebingen Variant Classification Criteria Version 2. Collection method: clinical testing. Allele origin: germline. Affected: yes. Observed: 1 variant allele.
Comment: DNAH7: PM2